The following is an entry in ClinVar:

NM_006129.5(BMP1):c.2246A>G (p.His749Arg)

Gene: BMP1 (bone morphogenetic protein 1; plus strand). Cytogenetic location: 8p21.3.
Variant type: single nucleotide variant.
Coding change: c.2246A>G on transcript NM_006129.5 (MANE Select); coding-DNA position 2246, A replaced by G.
Protein change: p.His749Arg; replaces histidine 749 with arginine.
Molecular consequence: missense variant. On other transcripts: non-coding transcript variant (1).
Genome position (GRCh38, 1-based): chr8:22,206,866, A>G. VCF-style: chr8-22206866-A-G. GRCh37 (hg19) VCF-style: chr8-22064379-A-G.
Other names: short protein forms H749R.
Identifiers: ClinVar variation 1414747 (VCV001414747.6), dbSNP rs1179546962, ClinGen allele CA370507505.

ClinVar aggregate classification (germline): Uncertain significance (1 of 4 stars; one submission).

Allele frequency attached by ClinVar (database versions not stated): TOPMed 0.00001.
gnomAD v4.1: 1 of 1,614,168 alleles (0.000062%); highest among the groups gnomAD compares: Non-Finnish European, 0.000085%; no homozygotes.

Submission:

Labcorp Genetics (formerly Invitae), Labcorp
Classification: Uncertain significance. Last evaluated: 2024-02-24. Review status: criteria provided, single submitter. Criteria: Invitae Variant Classification Sherloc (09022015). Collection method: clinical testing. Allele origin: germline.
Comment: This sequence change replaces histidine, which is basic and polar, with arginine, which is basic and polar, at codon 749 of the BMP1 protein (p.His749Arg). This variant is not present in population databases (gnomAD no frequency). This variant has not been reported in the literature in individuals affected with BMP1-related conditions. ClinVar contains an entry for this variant (Variation ID: 1414747). Advanced modeling of protein sequence and biophysical properties (such as structural, functional, and spatial information, amino acid conservation, physicochemical variation, residue mobility, and thermodynamic stability) performed at Invitae indicates that this missense variant is not expected to disrupt BMP1 protein function with a negative predictive value of 80%. In summary, the available evidence is currently insufficient to determine the role of this variant in disease. Therefore, it has been classified as a Variant of Uncertain Significance.